The following is an entry in ClinVar:

NM_000038.6(APC):c.5943_5946del (p.Asn1981fs)

Gene: APC (APC regulator of Wnt signaling pathway; plus strand). Cytogenetic location: 5q22.2.
Variant type: Deletion.
Coding change: c.5943_5946del on transcript NM_000038.6 (MANE Select); coding-DNA positions 5943 to 5946, 4 bases deleted (TAAA; older notation c.5943_5946delTAAA).
Protein change: p.Asn1981fs; shifts the reading frame from asparagine 1981.
Molecular consequence: frameshift variant. On other transcripts: non-coding transcript variant (2).
Genome position (GRCh38, 1-based): chr5:112,841,537-112,841,540, TAAA deleted; deleting any 4 consecutive bases within chr5:112,841,535-112,841,540 gives the same sequence; the c. name uses the placement nearest the transcript's 3' end. VCF-style (leftmost placement, unchanged base first): chr5-112841534-CAATA-C. GRCh37 (hg19) VCF-style: chr5-112177231-CAATA-C.
Other names: c.5943_5946del, p.Asn1981fs (NM_001127510.3, NM_001354895.2, NM_001407450.1); c.5889_5892del, p.Asn1963fs (NM_001127511.3); c.5997_6000del, p.Asn1999fs (NM_001354896.2, NM_001407447.1, NM_001407448.1 and 1 more transcripts); c.5973_5976del, p.Asn1991fs (NM_001354897.2); c.5868_5871del, p.Asn1956fs (NM_001354898.2); c.5859_5862del, p.Asn1953fs (NM_001354899.2); c.5820_5823del, p.Asn1940fs (NM_001354900.2); c.5766_5769del, p.Asn1922fs (NM_001354901.2, NM_001407453.1); and 11 more; short protein forms N1597fs, N1698fs, N1821fs, N1852fs, N1855fs, N1880fs, N1890fs, N1898fs.
Identifiers: ClinVar variation 2583861 (VCV002583861.2), dbSNP rs2533679135, ClinGen allele CA2582341488.
Genomic context (GRCh38, chr5:112,841,534, plus strand): 5'-GGTTTGCTTTTCTCATAATTCCTCTCTGAGTTCTCTCAGTGACATTGACCAAGAAAACAA[CAATA>C]AAGAAAATGAACCTATCAAAGAGACTGAGCCCCCTGACTCACAGGGAGAACCAAGTAAAC-3'

ClinVar aggregate classification (germline): Pathogenic (1 of 4 stars; one submission).

Conditions:
Familial adenomatous polyposis 1 (FAP1). Also called: FAMILIAL ADENOMATOUS POLYPOSIS 1, ATTENUATED; POLYPOSIS, ADENOMATOUS INTESTINAL. Identifiers: MedGen C2713442, MONDO:0021056, OMIM 175100. Disease mechanism: loss of function.

Submission:

Myriad Genetics, Inc.
Classification: Pathogenic for Familial adenomatous polyposis 1. Last evaluated: 2023-05-15. Review status: criteria provided, single submitter. Criteria: Myriad Autosomal Dominant, Autosomal Recessive and X-Linked Classification Criteria (2023). Collection method: clinical testing. Allele origin: unknown.
Comment: This variant is considered pathogenic. This variant creates a frameshift predicted to result in premature protein truncation.